The following is an entry in ClinVar:

NM_000548.5:c.156_848del

Gene: TSC2 (TSC complex subunit 2; plus strand).
Variant type: Deletion.
Other names: c.156_848del (NM_000548.5).
Identifiers: ClinVar variation 3777065 (VCV003777065.1).

ClinVar aggregate classification (germline): Pathogenic (1 of 4 stars; one submission).

Conditions:
Tuberous sclerosis 2 (TSC2). Identifiers: Orphanet 805, MedGen C1860707, MONDO:0013199, OMIM 613254.

Submission:

Oasi Research Institute-IRCCS
Classification: Pathogenic for Tuberous sclerosis 2. Review status: criteria provided, single submitter. Criteria: ACMG Guidelines, 2015. Collection method: research. Allele origin: de novo. Affected: yes.
Comment: The genomic variant represents a tandem large deletion within the coding sequence of the gene. This deletion may lead to a frameshift mutation. It is expected to result in an protein truncation or nonsense mediated decay ACMG criteria: PP4 (phenotype match), PM2 (absent from control), PP3 (in silico evidence), PS2 (de novo) = Likely Pathogenic. Based on the evidence outlined above, the variant was classified as Pathogenic.